The following is an entry in ClinVar:

ClinVar aggregate classification (germline): Likely benign (0 of 4 stars; one submission).

Conditions:
CAPN10-related disorder. Also called: CAPN10-related condition; CAPN10-related disorders.

Allele frequency attached by ClinVar (database versions not stated): gnomAD 0.00017; TOPMed 0.00023; ExAC 0.00032; 1000 Genomes Project 30x 0.00094; 1000 Genomes Project 0.00100.
gnomAD v4.1: 213 of 1,613,576 alleles (0.013%); highest among the groups gnomAD compares: East Asian, 0.33%; no homozygotes.

Submission:

PreventionGenetics, part of Exact Sciences
Classification: Likely benign for CAPN10-related condition. Last evaluated: 2019-03-29. Review status: no assertion criteria provided. Collection method: clinical testing. Allele origin: germline.
Comment: This variant is classified as likely benign based on ACMG/AMP sequence variant interpretation guidelines (Richards et al. 2015 PMID: 25741868, with internal and published modifications).

NM_023083.4(CAPN10):c.1647C>T (p.Pro549=)

Gene: CAPN10 (calpain 10; plus strand). Cytogenetic location: 2q37.3.
Variant type: single nucleotide variant.
Coding change: c.1647C>T on transcript NM_023083.4 (MANE Select); coding-DNA position 1647, C replaced by T.
Protein change: p.Pro549=; no amino-acid change (proline 549 retained).
Molecular consequence: synonymous variant. On other transcripts: intron variant (1).
Genome position (GRCh38, 1-based): chr2:240,596,846, C>T. VCF-style: chr2-240596846-C-T. GRCh37 (hg19) VCF-style: chr2-241536263-C-T.
Other names: c.1279-1042C>T (NM_023085.4).
Identifiers: ClinVar variation 3033484 (VCV003033484.2), dbSNP rs17846979, ClinGen allele CA2205924.